The following is an entry in ClinVar:

NM_015909.4(NBAS):c.244C>G (p.Arg82Gly)

Gene: NBAS (NBAS subunit of NRZ tethering complex; minus strand). Cytogenetic location: 2p24.3.
Variant type: single nucleotide variant.
Coding change: c.244C>G on transcript NM_015909.4 (MANE Select); coding-DNA position 244, C replaced by G.
Protein change: p.Arg82Gly; replaces arginine 82 with glycine.
Molecular consequence: missense variant. On other transcripts: non-coding transcript variant (1).
Genome position (GRCh38, 1-based): chr2:15,554,104, G>C on the plus strand (C>G on the coding strand, the complement: NBAS is on the minus strand). VCF-style: chr2-15554104-G-C. GRCh37 (hg19) VCF-style: chr2-15694228-G-C.
Other names: short protein forms R82G.
Identifiers: ClinVar variation 1949991 (VCV001949991.5), dbSNP rs370943197, ClinGen allele CA345893838.

ClinVar aggregate classification (germline): Uncertain significance (1 of 4 stars; one submission).

gnomAD v4.1: 1 of 1,613,852 alleles (0.000062%); highest among the groups gnomAD compares: Non-Finnish European, 0.000085%; no homozygotes.

Submission:

Labcorp Genetics (formerly Invitae), Labcorp
Classification: Uncertain significance. Last evaluated: 2024-07-10. Review status: criteria provided, single submitter. Criteria: Invitae Variant Classification Sherloc (09022015). Collection method: clinical testing. Allele origin: germline.
Comment: This sequence change replaces arginine, which is basic and polar, with glycine, which is neutral and non-polar, at codon 82 of the NBAS protein (p.Arg82Gly). This variant is not present in population databases (gnomAD no frequency). This variant has not been reported in the literature in individuals affected with NBAS-related conditions. ClinVar contains an entry for this variant (Variation ID: 1949991). Advanced modeling of protein sequence and biophysical properties (such as structural, functional, and spatial information, amino acid conservation, physicochemical variation, residue mobility, and thermodynamic stability) performed at Invitae indicates that this missense variant is not expected to disrupt NBAS protein function with a negative predictive value of 95%. In summary, the available evidence is currently insufficient to determine the role of this variant in disease. Therefore, it has been classified as a Variant of Uncertain Significance.